The following is an entry in ClinVar:

ClinVar aggregate classification (germline): Uncertain significance. Review status: criteria provided, multiple submitters, no conflicts (2 of 4 stars). 2 submissions from 2 submitters: Uncertain significance (2). Last evaluated 2024-09-19.

Conditions:
Familial thoracic aortic aneurysm and aortic dissection (TAAD). Also called: Thoracic aortic aneurysms and dissections. Identifiers: Orphanet 91387, MedGen C4707243, MONDO:0019625.

Allele frequency attached by ClinVar (database versions not stated): gnomAD 0.00001 and 0.00002; TOPMed 0.00001.
gnomAD v4.1: 1 of 1,209,095 alleles (0.000083%); highest among the groups gnomAD compares: African/African-American, 0.0018%; no homozygotes.

Submissions (2):

GeneDx
Classification: Uncertain significance. Last evaluated: 2024-09-19. Review status: criteria provided, single submitter. Criteria: GeneDx Variant Classification Process June 2021. Collection method: clinical testing. Allele origin: germline. Affected: yes.
Comment: Not observed at significant frequency in large population cohorts (gnomAD); In silico analysis supports that this missense variant has a deleterious effect on protein structure/function; Has not been previously published as pathogenic or benign to our knowledge

Ambry Genetics
Classification: Uncertain significance for Familial thoracic aortic aneurysm and aortic dissection. Last evaluated: 2023-11-23. Review status: criteria provided, single submitter. Criteria: Ambry Variant Classification Scheme 2023. Collection method: clinical testing. Allele origin: germline.
Comment: The p.E1633G variant (also known as c.4898A>G), located in coding exon 36 of the MED12 gene, results from an A to G substitution at nucleotide position 4898. The glutamic acid at codon 1633 is replaced by glycine, an amino acid with similar properties. This amino acid position is conserved. In addition, the in silico prediction for this alteration is inconclusive. Since supporting evidence is limited at this time, the clinical significance of this alteration remains unclear.

NM_005120.3(MED12):c.4898A>G (p.Glu1633Gly)

Gene: MED12 (mediator complex subunit 12; plus strand). Cytogenetic location: Xq13.1.
Variant type: single nucleotide variant.
Coding change: c.4898A>G on transcript NM_005120.3 (MANE Select); coding-DNA position 4898, A replaced by G.
Protein change: p.Glu1633Gly; replaces glutamic acid 1633 with glycine.
Molecular consequence: missense variant.
Genome position (GRCh38, 1-based): chrX:71,135,126, A>G. VCF-style: chrX-71135126-A-G. GRCh37 (hg19) VCF-style: chrX-70354976-A-G.
Other names: short protein forms E1633G.
Identifiers: ClinVar variation 1188763 (VCV001188763.4), dbSNP rs1295435834, ClinGen allele CA413532995.